The following is an entry in ClinVar:

ClinVar aggregate classification (germline): Likely benign. Review status: criteria provided, multiple submitters, no conflicts (2 of 4 stars). 2 submissions from 2 submitters: Likely benign (2). Last evaluated 2025-03-16.

Allele frequency attached by ClinVar (database versions not stated): TOPMed 0.00001; gnomAD 0.00005; gnomAD exomes 0.00010 and 0.00019; ExAC 0.00024; 1000 Genomes Project 30x 0.00062; 1000 Genomes Project 0.00080.
gnomAD v4.1: 145 of 1,614,034 alleles (0.009%); highest among the groups gnomAD compares: South Asian, 0.15%; 3 homozygotes.

Submissions (2):

Labcorp Genetics (formerly Invitae), Labcorp
Classification: Likely benign. Last evaluated: 2025-03-16. Review status: criteria provided, single submitter. Criteria: Invitae Variant Classification Sherloc (09022015). Collection method: clinical testing. Allele origin: germline.

CeGaT Center for Human Genetics Tuebingen
Classification: Likely benign. Last evaluated: 2023-08-01. Review status: criteria provided, single submitter. Criteria: CeGaT Center For Human Genetics Tuebingen Variant Classification Criteria Version 2. Collection method: clinical testing. Allele origin: germline. Affected: yes. Observed: 1 variant allele.
Comment: SCN3A: BP4, BS1

NM_006922.4(SCN3A):c.4153C>G (p.Gln1385Glu)

Gene: SCN3A (sodium voltage-gated channel alpha subunit 3; minus strand). Cytogenetic location: 2q24.3.
Variant type: single nucleotide variant.
Coding change: c.4153C>G on transcript NM_006922.4 (MANE Select); coding-DNA position 4153, C replaced by G.
Protein change: p.Gln1385Glu; replaces glutamine 1385 with glutamic acid.
Molecular consequence: missense variant.
Genome position (GRCh38, 1-based): chr2:165,097,338, G>C on the plus strand (C>G on the coding strand, the complement: SCN3A is on the minus strand). VCF-style: chr2-165097338-G-C. GRCh37 (hg19) VCF-style: chr2-165953848-G-C.
Other names: c.4006C>G, p.Gln1336Glu (NM_001081676.2, NM_001081677.2); short protein forms Q1336E, Q1385E.
Identifiers: ClinVar variation 1107213 (VCV001107213.32), dbSNP rs534313591, ClinGen allele CA1938639.